The following is an entry in ClinVar:

ClinVar aggregate classification (germline): Uncertain significance (1 of 4 stars; one submission).

Allele frequency attached by ClinVar (database versions not stated): TOPMed 0.00006; gnomAD exomes 0.00019; ExAC 0.00024.
gnomAD v4.1: 51 of 1,613,846 alleles (0.0032%); highest among the groups gnomAD compares: Admixed American, 0.075%; no homozygotes.

Submission:

Labcorp Genetics (formerly Invitae), Labcorp
Classification: Uncertain significance. Last evaluated: 2025-01-23. Review status: criteria provided, single submitter. Criteria: Invitae Variant Classification Sherloc (09022015). Collection method: clinical testing. Allele origin: germline.
Comment: This sequence change replaces glutamine, which is neutral and polar, with histidine, which is basic and polar, at codon 808 of the DDR2 protein (p.Gln808His). This variant is present in population databases (rs765660823, gnomAD 0.1%), including at least one homozygous and/or hemizygous individual. This variant has not been reported in the literature in individuals affected with DDR2-related conditions. ClinVar contains an entry for this variant (Variation ID: 1400397). An algorithm developed to predict the effect of missense changes on protein structure and function (PolyPhen-2) suggests that this variant is likely to be disruptive. In summary, the available evidence is currently insufficient to determine the role of this variant in disease. Therefore, it has been classified as a Variant of Uncertain Significance.

NM_006182.4(DDR2):c.2424A>C (p.Gln808His)

Gene: DDR2 (discoidin domain receptor tyrosine kinase 2; plus strand). Cytogenetic location: 1q23.3.
Variant type: single nucleotide variant.
Coding change: c.2424A>C on transcript NM_006182.4 (MANE Select); coding-DNA position 2424, A replaced by C.
Protein change: p.Gln808His; replaces glutamine 808 with histidine.
Molecular consequence: missense variant.
Genome position (GRCh38, 1-based): chr1:162,778,720, A>C. VCF-style: chr1-162778720-A-C. GRCh37 (hg19) VCF-style: chr1-162748510-A-C.
Other names: c.2424A>C, p.Gln808His (NM_001014796.3, NM_001354982.2, NM_001354983.2); short protein forms Q808H.
Identifiers: ClinVar variation 1400397 (VCV001400397.5), dbSNP rs765660823, ClinGen allele CA1217782.
Genomic context (GRCh38, chr1:162,778,720, plus strand): 5'-CTATTCCCAGCTGTCAGATGAACAGGTTATTGAGAATACTGGAGAGTTCTTCCGAGACCA[A>C]GGGAGGCAGGTAAGAACTGTTGGGGATGAATGGATGTGGACCTGTGTACCTTGAAGGATG-3'
Protein context (NP_006173.2, residues 798-818): IENTGEFFRD[Gln808His]GRQTYLPQPA